The following is an entry in ClinVar:

ClinVar aggregate classification (germline): Pathogenic (1 of 4 stars; one submission).

Conditions:
Autism, susceptiblity to. Also called: Austism, susceptibility to. Identifiers: MedGen CN301178, MONDO:0020836.

Submission:

Qatar Biomedical Research Institute, Hamad Bin Khalifa University
Classification: Pathogenic for Autism, susceptiblity to. Last evaluated: 2023-07-05. Review status: criteria provided, single submitter. Criteria: ACMG Guidelines, 2015. Collection method: research. Allele origin: de novo. Inheritance: Autosomal dominant inheritance. Affected: yes. Observed: 1 heterozygote.
Comment: This variant was not found in large sequencing databases and with 0.00054% frequency in Qatar population database. In CLCN3 (D651A) modeling, no severe alterations at a molecular level were observed by the D651A substitution in CLCN3. However, since Asp651 is located at the cytosolic C-terminal cystathionine β-synthase (CBS) domain, there is a possibility that the D651A substitution could affect the C-terminal domain-mediated protein recognition of CLCN3. ACMG interpretation as PS2, PS4, PM2, PP2, PP3 indicated it as pathogenic variant. In summary, the p.D651A variant in CLCN3 meets our criteria to be classified as pathogenic due to being de novo, absence from controls, ACMG interpretation and results of protein modeling.

NM_001829.4(CLCN3):c.2033A>C (p.Asp678Ala)

Gene: CLCN3 (chloride voltage-gated channel 3; plus strand). Cytogenetic location: 4q33.
Variant type: single nucleotide variant.
Coding change: c.2033A>C on transcript NM_001829.4 (MANE Select); coding-DNA position 2033, A replaced by C.
Protein change: p.Asp678Ala; replaces aspartic acid 678 with alanine.
Molecular consequence: missense variant.
Genome position (GRCh38, 1-based): chr4:169,707,150, A>C. VCF-style: chr4-169707150-A-C. GRCh37 (hg19) VCF-style: chr4-170628301-A-C.
Other names: c.1952A>C, p.Asp651Ala (NM_001243372.2, NM_001243374.2); c.2033A>C, p.Asp678Ala (NM_173872.4); short protein forms D651A, D678A.
Identifiers: ClinVar variation 2571618 (VCV002571618.2), dbSNP rs1733026743, ClinGen allele CA358741435.